The following is an entry in ClinVar:

NM_001723.7(DST):c.5854C>T (p.Gln1952Ter)

Gene: DST (dystonin; minus strand). Cytogenetic location: 6p12.1.
Variant type: single nucleotide variant.
Coding change: c.5854C>T on transcript NM_001723.7 (MANE Plus Clinical); coding-DNA position 5854, C replaced by T.
Protein change: p.Gln1952Ter; replaces glutamine 1952 with a stop codon.
Molecular consequence: nonsense. On other transcripts: intron variant (10).
Genome position (GRCh38, 1-based): chr6:56,618,180, G>A on the plus strand (C>T on the coding strand, the complement: DST is on the minus strand). VCF-style: chr6-56618180-G-A. GRCh37 (hg19) VCF-style: chr6-56482978-G-A.
Other names: c.4831-3696C>T (NM_001144769.5); c.4930-3696C>T (NM_001374722.1, NM_001374736.1); c.4957-3696C>T (NM_001374734.1); c.4417-3696C>T (NM_001144770.2); c.4297-3696C>T (NM_001374730.1, NM_001386100.1, NM_183380.4 and 1 more transcripts); c.3319-3696C>T (NM_015548.5); short protein forms Q1952*.
Identifiers: ClinVar variation 1379301 (VCV001379301.6), dbSNP rs755388186, ClinGen allele CA3870292.

ClinVar aggregate classification (germline): Pathogenic (1 of 4 stars; one submission).

Conditions:
Epidermolysis bullosa simplex 3, localized or generalized intermediate, with BP230 deficiency (EBS3). Also called: Epidermolysis bullosa simplex, autosomal recessive 2; Epidermolysis bullosa simplex due to BP230 deficiency. Identifiers: Orphanet 412181, MedGen C3809470, MONDO:0014180, OMIM 615425.
Hereditary sensory and autonomic neuropathy type 6. Also called: Neuropathy, hereditary sensory and autonomic, type VI; HSAN VI. Identifiers: Orphanet 314381, MedGen C3539003, MONDO:0013839, OMIM 614653.

Allele frequency attached by ClinVar (database versions not stated): ExAC 0.00001; gnomAD exomes 0.00001; gnomAD 0.00003.
gnomAD v4.1: 23 of 1,614,146 alleles (0.0014%); highest among the groups gnomAD compares: African/African-American, 0.0093%; no homozygotes.

Submission:

Labcorp Genetics (formerly Invitae), Labcorp
Classification: Pathogenic for Epidermolysis bullosa simplex 3, localized or generalized intermediate, with BP230 deficiency; Hereditary sensory and autonomic neuropathy type 6. Last evaluated: 2025-07-14. Review status: criteria provided, single submitter. Criteria: Invitae Variant Classification Sherloc (09022015). Collection method: clinical testing. Allele origin: germline.
Comment: This sequence change creates a premature translational stop signal (p.Gln1952*) in the DST gene. It is expected to result in an absent or disrupted protein product. Loss-of-function variants in DST are known to be pathogenic (PMID: 22522446, 25059916, 30371979). This variant is present in population databases (rs755388186, gnomAD 0.002%). This variant has not been reported in the literature in individuals affected with DST-related conditions. ClinVar contains an entry for this variant (Variation ID: 1379301). For these reasons, this variant has been classified as Pathogenic.

Literature cited by the submitters: PubMed 22522446; PubMed 25059916; PubMed 30371979.